The following is an entry in ClinVar:

NM_004655.4(AXIN2):c.1099C>T (p.Pro367Ser)

Gene: AXIN2 (axin 2; minus strand). Cytogenetic location: 17q24.1.
Variant type: single nucleotide variant.
Coding change: c.1099C>T on transcript NM_004655.4 (MANE Select); coding-DNA position 1099, C replaced by T.
Protein change: p.Pro367Ser; replaces proline 367 with serine.
Molecular consequence: missense variant.
Genome position (GRCh38, 1-based): chr17:65,538,304, G>A on the plus strand (C>T on the coding strand, the complement: AXIN2 is on the minus strand). VCF-style: chr17-65538304-G-A. GRCh37 (hg19) VCF-style: chr17-63534422-G-A.
Other names: c.1099C>T, p.Pro367Ser (NM_001363813.1); short protein forms P367S.
Identifiers: ClinVar variation 1718284 (VCV001718284.5), dbSNP rs2144478107, ClinGen allele CA400678481.

ClinVar aggregate classification (germline): Uncertain significance (1 of 4 stars; one submission).

Conditions:
Oligodontia-cancer predisposition syndrome. Also called: TOOTH AGENESIS-COLORECTAL CANCER SYNDROME. Identifiers: Orphanet 300576, MedGen C1837750, MONDO:0012075, OMIM 608615. Disease mechanism: loss of function.

Submission:

Labcorp Genetics (formerly Invitae), Labcorp
Classification: Uncertain significance for Oligodontia-cancer predisposition syndrome. Last evaluated: 2022-07-19. Review status: criteria provided, single submitter. Criteria: Invitae Variant Classification Sherloc (09022015). Collection method: clinical testing. Allele origin: germline.
Comment: In summary, the available evidence is currently insufficient to determine the role of this variant in disease. Therefore, it has been classified as a Variant of Uncertain Significance. Algorithms developed to predict the effect of missense changes on protein structure and function are either unavailable or do not agree on the potential impact of this missense change (SIFT: "Deleterious"; PolyPhen-2: "Probably Damaging"; Align-GVGD: "Class C0"). This variant has not been reported in the literature in individuals affected with AXIN2-related conditions. This variant is not present in population databases (gnomAD no frequency). This sequence change replaces proline, which is neutral and non-polar, with serine, which is neutral and polar, at codon 367 of the AXIN2 protein (p.Pro367Ser).